The following is an entry in ClinVar:

NM_000553.6(WRN):c.479A>C (p.Glu160Ala)

Gene: WRN (WRN RecQ like helicase; plus strand). Cytogenetic location: 8p12.
Variant type: single nucleotide variant.
Coding change: c.479A>C on transcript NM_000553.6 (MANE Select); coding-DNA position 479, A replaced by C.
Protein change: p.Glu160Ala; replaces glutamic acid 160 with alanine.
Molecular consequence: missense variant.
Genome position (GRCh38, 1-based): chr8:31,065,038, A>C. VCF-style: chr8-31065038-A-C. GRCh37 (hg19) VCF-style: chr8-30922554-A-C.
Other names: short protein forms E160A.
Identifiers: ClinVar variation 961574 (VCV000961574.6), dbSNP rs1250439426, ClinGen allele CA370915021.

ClinVar aggregate classification (germline): Uncertain significance (1 of 4 stars; one submission).

Conditions:
Werner syndrome (WRN). Identifiers: Orphanet 902, MedGen C0043119, MONDO:0010196, OMIM 277700.

Allele frequency attached by ClinVar (database versions not stated): TOPMed below 0.00001; gnomAD 0.00001; gnomAD exomes 0.00001.
gnomAD v4.1: 3 of 1,613,438 alleles (0.00019%); highest among the groups gnomAD compares: Admixed American, 0.005%; no homozygotes.

Submission:

Labcorp Genetics (formerly Invitae), Labcorp
Classification: Uncertain significance for Werner syndrome. Last evaluated: 2024-04-05. Review status: criteria provided, single submitter. Criteria: Invitae Variant Classification Sherloc (09022015). Collection method: clinical testing. Allele origin: germline.
Comment: This sequence change replaces glutamic acid, which is acidic and polar, with alanine, which is neutral and non-polar, at codon 160 of the WRN protein (p.Glu160Ala). This variant is present in population databases (no rsID available, gnomAD 0.006%). This variant has not been reported in the literature in individuals affected with WRN-related conditions. ClinVar contains an entry for this variant (Variation ID: 961574). An algorithm developed to predict the effect of missense changes on protein structure and function (PolyPhen-2) suggests that this variant is likely to be disruptive. In summary, the available evidence is currently insufficient to determine the role of this variant in disease. Therefore, it has been classified as a Variant of Uncertain Significance.